The following is an entry in ClinVar:

ClinVar aggregate classification (germline): Uncertain significance (1 of 4 stars; one submission).

Submission:

Labcorp Genetics (formerly Invitae), Labcorp
Classification: Uncertain significance. Last evaluated: 2025-10-21. Review status: criteria provided, single submitter. Criteria: Invitae Variant Classification Sherloc (09022015). Collection method: clinical testing. Allele origin: germline.
Comment: This sequence change replaces glutamine, which is neutral and polar, with glutamic acid, which is acidic and polar, at codon 139 of the TCIRG1 protein (p.Gln139Glu). This variant is not present in population databases (gnomAD no frequency). This variant has not been reported in the literature in individuals affected with TCIRG1-related conditions. An algorithm developed to predict the effect of missense changes on protein structure and function (PolyPhen-2) suggests that this variant is likely to be tolerated. In summary, the available evidence is currently insufficient to determine the role of this variant in disease. Therefore, it has been classified as a Variant of Uncertain Significance.

NM_006019.4(TCIRG1):c.415C>G (p.Gln139Glu)

Gene: TCIRG1 (T cell immune regulator 1, ATPase H+ transporting V0 subunit a3; plus strand). Cytogenetic location: 11q13.2.
Variant type: single nucleotide variant.
Coding change: c.415C>G on transcript NM_006019.4 (MANE Select); coding-DNA position 415, C replaced by G.
Protein change: p.Gln139Glu; replaces glutamine 139 with glutamic acid.
Molecular consequence: missense variant. On other transcripts: 5 prime UTR variant (1), intron variant (1).
Genome position (GRCh38, 1-based): chr11:68,042,861, C>G. VCF-style: chr11-68042861-C-G. GRCh37 (hg19) VCF-style: chr11-67810328-C-G.
Other names: c.-835C>G (NM_001351059.2); c.415C>G, p.Gln139Glu (NM_001440552.1, NM_001440553.1, NM_001440554.1 and 9 more transcripts); c.373C>G, p.Gln125Glu (NM_001440555.1, NM_001440556.1, NM_001440563.1 and 2 more transcripts); c.118-85C>G (NM_001440565.1); short protein forms Q125E, Q139E.
Identifiers: ClinVar variation 4729552 (VCV004729552.1).
Genomic context (GRCh38, chr11:68,042,861, plus strand): 5'-CGGGCCCAGCTGCACCAGCTGCAGCTCCACGCCGCCGTGCTACGCCAGGGCCATGAACCT[C>G]AGGTCAGCTCCCACCCAGGCAGGAGACTGGGGGGCTGGGGAGGGGCTGTCCAGCCTAGGG-3'
Protein context (NP_006010.2, residues 129-149): AAVLRQGHEP[Gln139Glu]LAAAHTDGAS